The following is an entry in ClinVar:

ClinVar aggregate classification (germline): Uncertain significance (1 of 4 stars; one submission).

Conditions:
Cornelia de Lange syndrome 1 (CDLS1). Also called: TYPUS DEGENERATIVUS AMSTELODAMENSIS; Brachmann de Lange syndrome; NIPBL-Related Cornelia de Lange Syndrome. Identifiers: Orphanet 199, MedGen C4551851, MONDO:0007387, OMIM 122470.

Submission:

Labcorp Genetics (formerly Invitae), Labcorp
Classification: Uncertain significance for Cornelia de Lange syndrome 1. Last evaluated: 2022-12-13. Review status: criteria provided, single submitter. Criteria: Invitae Variant Classification Sherloc (09022015). Collection method: clinical testing. Allele origin: germline.
Comment: This sequence change falls in intron 13 of the NIPBL gene. It does not directly change the encoded amino acid sequence of the NIPBL protein. It affects a nucleotide within the consensus splice site. This variant is not present in population databases (gnomAD no frequency). This variant has not been reported in the literature in individuals affected with NIPBL-related conditions. Variants that disrupt the consensus splice site are a relatively common cause of aberrant splicing (PMID: 17576681, 9536098). Algorithms developed to predict the effect of sequence changes on RNA splicing suggest that this variant may disrupt the consensus splice site. In summary, the available evidence is currently insufficient to determine the role of this variant in disease. Therefore, it has been classified as a Variant of Uncertain Significance.

Literature cited by the submitters: PubMed 17576681; PubMed 9536098.

NM_133433.4(NIPBL):c.3575-3_3575-2insG

Gene: NIPBL (NIPBL cohesin loading factor; plus strand). Cytogenetic location: 5p13.2.
Variant type: Insertion.
Coding change: c.3575-3_3575-2insG on transcript NM_133433.4 (MANE Select); 3 bases into the intron before coding-DNA position 3575 through the canonical splice acceptor site of the intron before coding-DNA position 3575, G inserted.
Molecular consequence: splice acceptor variant.
Genome position: GRCh38 VCF-style: chr5-37000986-C-CG. GRCh37 (hg19) VCF-style: chr5-37001088-C-CG.
Other names: c.3575-3_3575-2insG (NM_015384.5).
Identifiers: ClinVar variation 2820613 (VCV002820613.3), dbSNP rs2478088435, ClinGen allele CA2739274692.